The following is an entry in ClinVar:

ClinVar aggregate classification (germline): Conflicting classifications of pathogenicity. Review status: criteria provided, conflicting classifications (1 of 4 stars). 3 submissions from 3 submitters: Pathogenic (2); Uncertain significance (1). Last evaluated 2022-04-28.

Conditions:
Alagille syndrome due to a JAG1 point mutation. Also called: JAG1-Related Alagille Syndrome; HEPATIC DUCTULAR HYPOPLASIA, SYNDROMATIC; Alagille Syndrome 1. Identifiers: Orphanet 261619, Orphanet 52, MedGen C1956125, MONDO:0016862, OMIM 118450.

Submissions (3):

Labcorp Genetics (formerly Invitae), Labcorp
Classification: Uncertain significance for Alagille syndrome due to a JAG1 point mutation. Last evaluated: 2022-04-28. Review status: criteria provided, single submitter. Criteria: Invitae Variant Classification Sherloc (09022015). Collection method: clinical testing. Allele origin: germline.
Comment: This sequence change affects a donor splice site in intron 24 of the JAG1 gene. RNA analysis indicates that disruption of this splice site induces altered splicing and likely results in a shortened protein product. This variant is not present in population databases (gnomAD no frequency). Disruption of this splice site has been observed in individual(s) with Alagille syndrome (PMID: 15772854). ClinVar contains an entry for this variant (Variation ID: 265204). Studies have shown that disruption of this splice site results in skipping of exon 24, but is expected to preserve the integrity of the reading-frame (PMID: 15772854). In summary, the available evidence is currently insufficient to determine the role of this variant in disease. Therefore, it has been classified as a Variant of Uncertain Significance.

Eurofins Ntd Llc (ga)
Classification: Pathogenic. Last evaluated: 2017-06-12. Review status: criteria provided, single submitter. Criteria: EGL Classification Definitions 2015. Collection method: clinical testing. Allele origin: germline. Observed: 1 variant allele, 1 heterozygote.

GeneDx
Classification: Pathogenic. Last evaluated: 2016-04-20. Review status: criteria provided, single submitter. Criteria: GeneDx Variant Classification (06012015). Collection method: clinical testing. Allele origin: germline. Affected: yes.
Comment: The c.3048+1 G>A splice site variant in the JAG1 gene destroys the canonical splice donor site in intron 24. It is predicted to cause abnormal gene splicing, either leading to an abnormal message that is subject to nonsense-mediated mRNA decay, or to an abnormal protein product if the message is used for protein translation. The variant was not observed in approximately 6,500 individuals of European and African American ancestry in the NHLBI Exome Sequencing Project, indicating it is not a common benign variant in these populations.

Literature cited by the submitters: PubMed 15772854 (cited by Labcorp Genetics (formerly Invitae), Labcorp).

NM_000214.3(JAG1):c.3048+1G>A

Gene: JAG1 (jagged canonical Notch ligand 1; minus strand). Cytogenetic location: 20p12.2.
Variant type: single nucleotide variant.
Coding change: c.3048+1G>A on transcript NM_000214.3 (MANE Select); the canonical splice donor site of the intron after coding-DNA position 3048, G replaced by A.
Molecular consequence: splice donor variant.
Genome position (GRCh38, 1-based): chr20:10,641,112, C>T on the plus strand (G>A on the coding strand, the complement: JAG1 is on the minus strand). VCF-style: chr20-10641112-C-T. GRCh37 (hg19) VCF-style: chr20-10621760-C-T.
Identifiers: ClinVar variation 265204 (VCV000265204.11), dbSNP rs876661121, ClinGen allele CA10588691.
Genomic context (GRCh38, chr20:10,641,112, plus strand): 5'-CACTGGTTAACCGAACTGCCTTGCCATCGAATAATGAGGTGTGAATGGGTCTTATACTTA[C>T]AATGGCCACATGTATTTCATTGTTCGCTGAAGGGGAAGGCTCGCAAGCGATGTAGATTGA-3'